The following is an entry in ClinVar:

NM_032776.3(JMJD1C):c.3308A>G (p.Asn1103Ser)

Gene: JMJD1C (jumonji domain containing 1C; minus strand). Cytogenetic location: 10q21.3.
Variant type: single nucleotide variant.
Coding change: c.3308A>G on transcript NM_032776.3 (MANE Select); coding-DNA position 3308, A replaced by G.
Protein change: p.Asn1103Ser; replaces asparagine 1103 with serine.
Molecular consequence: missense variant. On other transcripts: non-coding transcript variant (1).
Genome position (GRCh38, 1-based): chr10:63,208,361, T>C on the plus strand (A>G on the coding strand, the complement: JMJD1C is on the minus strand). VCF-style: chr10-63208361-T-C. GRCh37 (hg19) VCF-style: chr10-64968121-T-C.
Other names: c.2762A>G, p.Asn921Ser (NM_001282948.2, NM_001318154.2); c.2444A>G, p.Asn815Ser (NM_001318153.2); c.3194A>G, p.Asn1065Ser (NM_001322252.2); c.2651A>G, p.Asn884Ser (NM_001322254.2, NM_001322258.2); short protein forms N1103S, N1065S, N815S, N884S, N921S.
Identifiers: ClinVar variation 460238 (VCV000460238.8), dbSNP rs751756118, ClinGen allele CA5518455.

ClinVar aggregate classification (germline): Uncertain significance (1 of 4 stars; one submission).

Conditions:
Early Myoclonic Encephalopathy. Identifiers: MedGen C0270855.

Allele frequency attached by ClinVar (database versions not stated): ExAC 0.00004; gnomAD exomes 0.00004 and 0.00005; gnomAD 0.00006 and 0.00005; TOPMed 0.00002.
gnomAD v4.1: 83 of 1,613,924 alleles (0.0051%); highest among the groups gnomAD compares: Non-Finnish European, 0.0064%; no homozygotes.

Submission:

Labcorp Genetics (formerly Invitae), Labcorp
Classification: Uncertain significance for Early Myoclonic Encephalopathy. Last evaluated: 2025-08-21. Review status: criteria provided, single submitter. Criteria: Invitae Variant Classification Sherloc (09022015). Collection method: clinical testing. Allele origin: germline.
Comment: This sequence change replaces asparagine, which is neutral and polar, with serine, which is neutral and polar, at codon 1103 of the JMJD1C protein (p.Asn1103Ser). This variant is present in population databases (rs751756118, gnomAD 0.01%). This missense change has been observed in individual(s) with intellectual disability (PMID: 26181491). ClinVar contains an entry for this variant (Variation ID: 460238). Invitae Evidence Modeling of protein sequence and biophysical properties (such as structural, functional, and spatial information, amino acid conservation, physicochemical variation, residue mobility, and thermodynamic stability) has been performed for this missense variant. However, the output from this modeling did not meet the statistical confidence thresholds required to predict the impact of this variant on JMJD1C protein function. In summary, the available evidence is currently insufficient to determine the role of this variant in disease. Therefore, it has been classified as a Variant of Uncertain Significance.

Literature cited by the submitters: PubMed 26181491.